The following is an entry in ClinVar:

ClinVar aggregate classification (germline): Pathogenic. Review status: criteria provided, single submitter (1 of 4 stars). 4 submissions from 4 submitters: Pathogenic (1). 3 of the submissions do not count toward it. Last evaluated 2023-09-12.

Conditions:
COG6-congenital disorder of glycosylation. Also called: COG6-CGD; CONGENITAL DISORDER OF GLYCOSYLATION, TYPE IIl; CDG IIl; COG6-ongenital disorder of glycosylation. Identifiers: Orphanet 464443, MedGen C3553230, MONDO:0013810, OMIM 614576.

gnomAD v4.1: 1 of 1,611,320 alleles (0.000062%); no homozygotes.

Submissions (4):

Laboratoire Génétique Moléculaire, CHRU TOURS
Classification: Pathogenic for COG6-congenital disorder of glycosylation. Last evaluated: 2023-09-12. Review status: criteria provided, single submitter. Criteria: ACMG Guidelines, 2015. Collection method: clinical testing. Allele origin: maternal. Affected: yes.
Comment: PS2;PM2;PM3;PP3;PP5

OMIM
Classification: Pathogenic for CONGENITAL DISORDER OF GLYCOSYLATION, TYPE IIl. Last evaluated: 2013-07-01. Review status: no assertion criteria provided. Collection method: literature only. Allele origin: germline. Not counted in ClinVar's aggregate classification.

Clinical Genetics DNA and cytogenetics Diagnostics Lab, Erasmus MC, Erasmus Medical Center
Classification: Pathogenic. Review status: no assertion criteria provided. Collection method: clinical testing. Allele origin: germline. Affected: yes. Study: VKGL Data-share Consensus. Not counted in ClinVar's aggregate classification.

Genome Diagnostics Laboratory, University Medical Center Utrecht
Classification: Pathogenic. Review status: no assertion criteria provided. Collection method: clinical testing. Allele origin: germline. Affected: yes. Study: VKGL Data-share Consensus. Not counted in ClinVar's aggregate classification.

Literature cited by the submitters: PubMed 20605848 (cited by OMIM); PubMed 23430903 (cited by OMIM); PubMed 23606727 (cited by OMIM); PubMed 24667119 (cited by OMIM); PubMed 24667118 (cited by OMIM); PubMed 26260076 (cited by OMIM).

NM_020751.3(COG6):c.1646G>T (p.Gly549Val)

Gene: COG6 (component of oligomeric golgi complex 6; plus strand). Cytogenetic location: 13q14.11.
Variant type: single nucleotide variant.
Coding change: c.1646G>T on transcript NM_020751.3 (MANE Select); coding-DNA position 1646, G replaced by T.
Protein change: p.Gly549Val; replaces glycine 549 with valine.
Molecular consequence: missense variant. On other transcripts: non-coding transcript variant (1).
Genome position (GRCh38, 1-based): chr13:39,723,394, G>T. VCF-style: chr13-39723394-G-T. GRCh37 (hg19) VCF-style: chr13-40297531-G-T.
Other names: c.1646G>T, p.Gly549Val (NM_001145079.2); short protein forms G549V.
Identifiers: ClinVar variation 30628 (VCV000030628.4), dbSNP rs387906959, ClinGen allele CA129376.